The following is an entry in ClinVar:

NM_017662.5(TRPM6):c.3289G>A (p.Glu1097Lys)

Gene: TRPM6 (transient receptor potential cation channel subfamily M member 6; minus strand). Cytogenetic location: 9q21.13.
Variant type: single nucleotide variant.
Coding change: c.3289G>A on transcript NM_017662.5 (MANE Select); coding-DNA position 3289, G replaced by A.
Protein change: p.Glu1097Lys; replaces glutamic acid 1097 with lysine.
Molecular consequence: missense variant.
Genome position (GRCh38, 1-based): chr9:74,775,997, C>T on the plus strand (G>A on the coding strand, the complement: TRPM6 is on the minus strand). VCF-style: chr9-74775997-C-T. GRCh37 (hg19) VCF-style: chr9-77390913-C-T.
Other names: c.3274G>A, p.Glu1092Lys (NM_001177310.2, NM_001177311.2); short protein forms E1097K, E1092K.
Identifiers: ClinVar variation 733607 (VCV000733607.10), dbSNP rs114160749, ClinGen allele CA5084318.

ClinVar aggregate classification (germline): Conflicting classifications of pathogenicity. Review status: criteria provided, conflicting classifications (1 of 4 stars). 2 submissions from 2 submitters: Uncertain significance (1); Likely benign (1). Last evaluated 2026-02-01.

Allele frequency attached by ClinVar (database versions not stated): gnomAD exomes 0.00013 and 0.00028; ExAC 0.00032; ESP Exome Variant Server 0.00069; gnomAD 0.00074 and 0.00081; TOPMed 0.00084; 1000 Genomes Project 30x 0.00094; 1000 Genomes Project 0.00100.
gnomAD v4.1: 300 of 1,614,072 alleles (0.019%); highest among the groups gnomAD compares: African/African-American, 0.23%; no homozygotes.

Submissions (2):

Labcorp Genetics (formerly Invitae), Labcorp
Classification: Likely benign. Last evaluated: 2026-02-01. Review status: criteria provided, single submitter. Criteria: Invitae Variant Classification Sherloc (09022015). Collection method: clinical testing. Allele origin: germline.

GeneDx
Classification: Uncertain significance. Last evaluated: 2024-05-28. Review status: criteria provided, single submitter. Criteria: GeneDx Variant Classification Process June 2021. Collection method: clinical testing. Allele origin: germline. Affected: yes.
Comment: In silico analysis indicates that this missense variant does not alter protein structure/function; Has not been previously published as pathogenic or benign to our knowledge